The following is an entry in ClinVar:

ClinVar aggregate classification (germline): Pathogenic (1 of 4 stars; one submission).

Conditions:
Neurofibromatosis, type 1 (NF1). Also called: NEUROFIBROMATOSIS, TYPE I, SOMATIC; VON RECKLINGHAUSEN DISEASE; Peripheral type neurofibromatosis; Neurofibromatosis, type I. Identifiers: Orphanet 636, MedGen C0027831, MONDO:0018975, OMIM 162200. Disease mechanism: loss of function.

Submission:

Labcorp Genetics (formerly Invitae), Labcorp
Classification: Pathogenic for Neurofibromatosis, type 1. Last evaluated: 2020-12-14. Review status: criteria provided, single submitter. Criteria: Invitae Variant Classification Sherloc (09022015). Collection method: clinical testing. Allele origin: germline.
Comment: This sequence change creates a premature translational stop signal (p.Asn2400Thrfs*5) in the NF1 gene. It is expected to result in an absent or disrupted protein product. Loss-of-function variants in NF1 are known to be pathogenic (PMID: 10712197, 23913538). This variant is not present in population databases (ExAC no frequency). For these reasons, this variant has been classified as Pathogenic. This variant has not been reported in the literature in individuals with NF1-related conditions.

Literature cited by the submitters: PubMed 10712197; PubMed 23913538.

NM_001042492.3(NF1):c.7260_7264del (p.Asn2421fs)

Gene: NF1 (neurofibromin 1; plus strand). Cytogenetic location: 17q11.2.
Variant type: Deletion.
Coding change: c.7260_7264del on transcript NM_001042492.3 (MANE Select); coding-DNA positions 7260 to 7264, 5 bases deleted (TAACA; older notation c.7260_7264delTAACA).
Protein change: p.Asn2421fs; shifts the reading frame from asparagine 2421.
Molecular consequence: frameshift variant.
Genome position (GRCh38, 1-based): chr17:31,349,190-31,349,194, TAACA deleted. VCF-style (leftmost placement, unchanged base first): chr17-31349189-TTAACA-T. GRCh37 (hg19) VCF-style: chr17-29676207-TTAACA-T.
Other names: c.7197_7201delTAACA, p.Asn2400Thrfs (NM_000267.4); short protein forms N2421fs, N2400fs.
Identifiers: ClinVar variation 1449963 (VCV001449963.6), dbSNP rs2151572726, ClinGen allele CA2573153823.
Genomic context (GRCh38, chr17:31,349,189, plus strand): 5'-ATCCTTCACCTGCTATTGTTGCAAGAACAGTCAGAATTTTACATACACTACTAACTCTGG[TTAACA>T]AACACAGAAATTGTGACAAATTTGAAGTGAATACACAGAGCGTGGCCTACTTAGCAGGTA-3'